The following is an entry in ClinVar:

ClinVar aggregate classification (germline): Pathogenic. Review status: criteria provided, single submitter (1 of 4 stars). 2 submissions from 2 submitters: Pathogenic (1). 1 of the submissions does not count toward it. Last evaluated 2023-05-11.

Conditions:
Charcot-Marie-Tooth disease. Also called: Charcot-Marie-Tooth Neuropathy; Charcot-Marie-Tooth Hereditary Neuropathy. Identifiers: Orphanet 166, MedGen C0007959, MONDO:0015626.
Charcot-Marie-Tooth disease type 2. Also called: Charcot-Marie-Tooth type 2. Identifiers: Orphanet 64746, MedGen C0270914, MONDO:0018993.

Submissions (2):

Labcorp Genetics (formerly Invitae), Labcorp
Classification: Pathogenic for Charcot-Marie-Tooth disease type 2. Last evaluated: 2023-05-11. Review status: criteria provided, single submitter. Criteria: Invitae Variant Classification Sherloc (09022015). Collection method: clinical testing. Allele origin: germline.
Comment: This missense change has been observed in individuals with autosomal dominant Charcot-Marie-Tooth disease (PMID: 22492563; Invitae). This variant is not present in population databases (gnomAD no frequency). This sequence change replaces threonine, which is neutral and polar, with alanine, which is neutral and non-polar, at codon 105 of the MFN2 protein (p.Thr105Ala). For these reasons, this variant has been classified as Pathogenic. This variant disrupts the p.Thr105 amino acid residue in MFN2. Other variant(s) that disrupt this residue have been determined to be pathogenic (PMID: 15064763, 16043786, 16835246, 17296794, 17959936, 24957169). This suggests that this residue is clinically significant, and that variants that disrupt this residue are likely to be disease-causing. An algorithm developed to predict the effect of missense changes on protein structure and function (PolyPhen-2) suggests that this variant is likely to be disruptive. ClinVar contains an entry for this variant (Variation ID: 543234).

Inherited Neuropathy Consortium
Classification: Uncertain significance for Charcot-Marie-Tooth disease. Review status: no assertion criteria provided. Collection method: literature only. Allele origin: germline. Affected: yes. Not counted in ClinVar's aggregate classification.

Literature cited by the submitters: PubMed 22492563 (cited by Labcorp Genetics (formerly Invitae), Labcorp and Inherited Neuropathy Consortium); PubMed 15064763 (cited by Labcorp Genetics (formerly Invitae), Labcorp); PubMed 16043786 (cited by Labcorp Genetics (formerly Invitae), Labcorp); PubMed 16835246 (cited by Labcorp Genetics (formerly Invitae), Labcorp); PubMed 17296794 (cited by Labcorp Genetics (formerly Invitae), Labcorp); PubMed 17959936 (cited by Labcorp Genetics (formerly Invitae), Labcorp); PubMed 24957169 (cited by Labcorp Genetics (formerly Invitae), Labcorp).

NM_014874.4(MFN2):c.313A>G (p.Thr105Ala)

Gene: MFN2 (mitofusin 2; plus strand). Cytogenetic location: 1p36.22.
Variant type: single nucleotide variant.
Coding change: c.313A>G on transcript NM_014874.4 (MANE Select); coding-DNA position 313, A replaced by G.
Protein change: p.Thr105Ala; replaces threonine 105 with alanine.
Molecular consequence: missense variant.
Genome position (GRCh38, 1-based): chr1:11,996,157, A>G. VCF-style: chr1-11996157-A-G. GRCh37 (hg19) VCF-style: chr1-12056214-A-G.
Other names: c.313A>G, p.Thr105Ala (NM_001127660.2); short protein forms T105A.
Identifiers: ClinVar variation 543234 (VCV000543234.11), dbSNP rs1553142428, ClinGen allele CA338433793.